The following is an entry in ClinVar:

NM_013352.4(DSE):c.2602G>A (p.Glu868Lys)

Gene: DSE (dermatan sulfate epimerase; plus strand). Cytogenetic location: 6q22.1.
Variant type: single nucleotide variant.
Coding change: c.2602G>A on transcript NM_013352.4 (MANE Select); coding-DNA position 2602, G replaced by A.
Protein change: p.Glu868Lys; replaces glutamic acid 868 with lysine.
Molecular consequence: missense variant. On other transcripts: 3 prime UTR variant (2), non-coding transcript variant (1).
Genome position (GRCh38, 1-based): chr6:116,437,070, G>A. VCF-style: chr6-116437070-G-A. GRCh37 (hg19) VCF-style: chr6-116758233-G-A.
Other names: c.2602G>A, p.Glu868Lys (NM_001080976.3, NM_001322937.2, NM_001322938.2); c.2659G>A, p.Glu887Lys (NM_001322939.2); c.2041G>A, p.Glu681Lys (NM_001322940.2, NM_001322941.2); c.*1467G>A (NM_001322943.2, NM_001322944.2); c.1603G>A, p.Glu535Lys (NM_001374520.1); c.1567G>A, p.Glu523Lys (NM_001374521.1); short protein forms E868K, E523K, E535K, E887K, E681K.
Identifiers: ClinVar variation 2718633 (VCV002718633.1), dbSNP rs757610525, ClinGen allele CA3969841.
Genomic context (GRCh38, chr6:116,437,070, plus strand): 5'-CTACCCATAGATGAAGATGAAGAAATGAAAGACCTTTTAGATTTTGCAGATGTAACATAC[G>A]AGAAACATAAAAATGGGGGCTTGATTAAAGGCCGGTTTGGACAGGCACGGATGGTGACAA-3'
Protein context (NP_037484.1, residues 858-878): DLLDFADVTY[Glu868Lys]KHKNGGLIKG

ClinVar aggregate classification (germline): Uncertain significance (1 of 4 stars; one submission).

Conditions:
Ehlers-Danlos syndrome, musculocontractural type 2 (EDSMC2). Identifiers: Orphanet 2953, MedGen C3809845, MONDO:0014236, OMIM 615539.

Allele frequency attached by ClinVar (database versions not stated): gnomAD 0.00001; gnomAD exomes 0.00001; ExAC 0.00002.
gnomAD v4.1: 10 of 1,613,854 alleles (0.00062%); highest among the groups gnomAD compares: East Asian, 0.0045%; no homozygotes.

Submission:

Labcorp Genetics (formerly Invitae), Labcorp
Classification: Uncertain significance for Ehlers-Danlos syndrome, musculocontractural type 2. Last evaluated: 2023-12-09. Review status: criteria provided, single submitter. Criteria: Invitae Variant Classification Sherloc (09022015). Collection method: clinical testing. Allele origin: germline.
Comment: This sequence change replaces glutamic acid, which is acidic and polar, with lysine, which is basic and polar, at codon 868 of the DSE protein (p.Glu868Lys). This variant is present in population databases (rs757610525, gnomAD 0.01%). This variant has not been reported in the literature in individuals affected with DSE-related conditions. An algorithm developed to predict the effect of missense changes on protein structure and function (PolyPhen-2) suggests that this variant¬†is likely to be tolerated. In summary, the available evidence is currently insufficient to determine the role of this variant in disease. Therefore, it has been classified as a Variant of Uncertain Significance.